The following is an entry in ClinVar:

ClinVar aggregate classification (germline): Uncertain significance (1 of 4 stars; one submission).

Submission:

Labcorp Genetics (formerly Invitae), Labcorp
Classification: Uncertain significance. Last evaluated: 2021-09-29. Review status: criteria provided, single submitter. Criteria: Invitae Variant Classification Sherloc (09022015). Collection method: clinical testing. Allele origin: germline.
Comment: In summary, the available evidence is currently insufficient to determine the role of this variant in disease. Therefore, it has been classified as a Variant of Uncertain Significance. Algorithms developed to predict the effect of missense changes on protein structure and function are either unavailable or do not agree on the potential impact of this missense change (SIFT: "Not Available"; PolyPhen-2: "Probably Damaging"; Align-GVGD: "Not Available"). This variant has not been reported in the literature in individuals affected with ADSSL1-related conditions. This variant is not present in population databases (ExAC no frequency). This sequence change replaces glutamic acid with valine at codon 356 of the ADSSL1 protein (p.Glu356Val).

NM_152328.5(ADSS1):c.938A>T (p.Glu313Val)

Gene: ADSS1 (adenylosuccinate synthase 1; plus strand). Cytogenetic location: 14q32.33.
Variant type: single nucleotide variant.
Coding change: c.938A>T on transcript NM_152328.5 (MANE Select); coding-DNA position 938, A replaced by T.
Protein change: p.Glu313Val; replaces glutamic acid 313 with valine.
Molecular consequence: missense variant.
Genome position (GRCh38, 1-based): chr14:104,741,992, A>T. VCF-style: chr14-104741992-A-T. GRCh37 (hg19) VCF-style: chr14-105208329-A-T.
Other names: c.323A>T, p.Glu108Val (NM_001320424.1); c.1067A>T, p.Glu356Val (NM_199165.2); short protein forms E108V, E313V, E356V.
Identifiers: ClinVar variation 1681981 (VCV001681981.4), dbSNP rs2140817235, ClinGen allele CA391242697.